The following is an entry in ClinVar:

NM_003482.4(KMT2D):c.6258G>C (p.Lys2086Asn)

Gene: KMT2D (lysine methyltransferase 2D; minus strand). Cytogenetic location: 12q13.12.
Variant type: single nucleotide variant.
Coding change: c.6258G>C on transcript NM_003482.4 (MANE Select); coding-DNA position 6258, G replaced by C.
Protein change: p.Lys2086Asn; replaces lysine 2086 with asparagine.
Molecular consequence: missense variant.
Genome position (GRCh38, 1-based): chr12:49,041,512, C>G on the plus strand (G>C on the coding strand, the complement: KMT2D is on the minus strand). VCF-style: chr12-49041512-C-G. GRCh37 (hg19) VCF-style: chr12-49435295-C-G.
Other names: short protein forms K2086N.
Identifiers: ClinVar variation 2919847 (VCV002919847.3), dbSNP rs1943530090, ClinGen allele CA384751641.

ClinVar aggregate classification (germline): Uncertain significance (1 of 4 stars; one submission).

Conditions:
Kabuki syndrome. Also called: Kabuki make-up syndrome; NIIKAWA-KUROKI SYNDROME. Identifiers: Orphanet 2322, MedGen C0796004, MONDO:0016512.

Allele frequency attached by ClinVar (database versions not stated): TOPMed below 0.00001.

Submission:

Labcorp Genetics (formerly Invitae), Labcorp
Classification: Uncertain significance for Kabuki syndrome. Last evaluated: 2023-07-24. Review status: criteria provided, single submitter. Criteria: Invitae Variant Classification Sherloc (09022015). Collection method: clinical testing. Allele origin: germline.
Comment: In summary, the available evidence is currently insufficient to determine the role of this variant in disease. Therefore, it has been classified as a Variant of Uncertain Significance. This variant is not present in population databases (gnomAD no frequency). This sequence change replaces lysine, which is basic and polar, with asparagine, which is neutral and polar, at codon 2086 of the KMT2D protein (p.Lys2086Asn). This variant has not been reported in the literature in individuals affected with KMT2D-related conditions. Advanced modeling of protein sequence and biophysical properties (such as structural, functional, and spatial information, amino acid conservation, physicochemical variation, residue mobility, and thermodynamic stability) performed at Invitae indicates that this missense variant is not expected to disrupt KMT2D protein function.